The following is an entry in ClinVar:

ClinVar aggregate classification (germline): Uncertain significance (1 of 4 stars; one submission).

Conditions:
Hereditary cancer-predisposing syndrome. Also called: Tumor predisposition; Hereditary neoplastic syndrome; Neoplastic Syndromes, Hereditary; Hereditary Cancer Syndrome. Identifiers: Orphanet 140162, MedGen C0027672, MeSH D009386, MONDO:0015356.

Submission:

Ambry Genetics
Classification: Uncertain significance for Hereditary cancer-predisposing syndrome. Last evaluated: 2023-04-06. Review status: criteria provided, single submitter. Criteria: Ambry Variant Classification Scheme 2023. Collection method: clinical testing. Allele origin: germline.
Comment: The p.Q467K variant (also known as c.1399C>A), located in coding exon 8 of the DICER1 gene, results from a C to A substitution at nucleotide position 1399. The glutamine at codon 467 is replaced by lysine, an amino acid with similar properties. This amino acid position is highly conserved in available vertebrate species. In addition, the in silico prediction for this alteration is inconclusive. Since supporting evidence is limited at this time, the clinical significance of this alteration remains unclear.

NM_177438.3(DICER1):c.1399C>A (p.Gln467Lys)

Gene: DICER1 (dicer 1, ribonuclease III; minus strand). Cytogenetic location: 14q32.13.
Variant type: single nucleotide variant.
Coding change: c.1399C>A on transcript NM_177438.3 (MANE Select); coding-DNA position 1399, C replaced by A.
Protein change: p.Gln467Lys; replaces glutamine 467 with lysine.
Molecular consequence: missense variant.
Genome position (GRCh38, 1-based): chr14:95,117,732, G>T on the plus strand (C>A on the coding strand, the complement: DICER1 is on the minus strand). VCF-style: chr14-95117732-G-T. GRCh37 (hg19) VCF-style: chr14-95584069-G-T.
Other names: c.1399C>A, p.Gln467Lys (NM_001195573.1, NM_001271282.3, NM_001291628.2 and 1 more transcripts); short protein forms Q467K.
Identifiers: ClinVar variation 819108 (VCV000819108.5), dbSNP rs1595415714, ClinGen allele CA390885657.
Genomic context (GRCh38, chr14:95,117,732, plus strand): 5'-TCTTCCCAATGCCATGTCCAGTTATGAAATTGCTACTGATATAAGCCAGCTCTGGATCTT[G>T]TTTGCCAGCTTCCTTTATCAATCTAAGAAAATTATACACATTTGGAAGTTAAACGTTGCT-3'
Protein context (NP_803187.1, residues 457-477): LNRLIKEAGK[Gln467Lys]DPELAYISSN